The following is an entry in ClinVar:

NM_021072.4(HCN1):c.2528G>T (p.Arg843Leu)

Gene: HCN1 (hyperpolarization activated cyclic nucleotide gated potassium channel 1; minus strand). Cytogenetic location: 5p12.
Variant type: single nucleotide variant.
Coding change: c.2528G>T on transcript NM_021072.4 (MANE Select); coding-DNA position 2528, G replaced by T.
Protein change: p.Arg843Leu; replaces arginine 843 with leucine.
Molecular consequence: missense variant.
Genome position (GRCh38, 1-based): chr5:45,262,066, C>A on the plus strand (G>T on the coding strand, the complement: HCN1 is on the minus strand). VCF-style: chr5-45262066-C-A. GRCh37 (hg19) VCF-style: chr5-45262168-C-A.
Other names: short protein forms R843L.
Identifiers: ClinVar variation 1879622 (VCV001879622.30), dbSNP rs1373191177, ClinGen allele CA359703163.

ClinVar aggregate classification (germline): Uncertain significance. Review status: criteria provided, multiple submitters, no conflicts (2 of 4 stars). 2 submissions from 2 submitters: Uncertain significance (2). Last evaluated 2022-10-01.

Submissions (2):

CeGaT Center for Human Genetics Tuebingen
Classification: Uncertain significance. Last evaluated: 2022-10-01. Review status: criteria provided, single submitter. Criteria: CeGaT Center For Human Genetics Tuebingen Variant Classification Criteria Version 2. Collection method: clinical testing. Allele origin: germline. Affected: yes. Observed: 1 variant allele.
Comment: HCN1: PM2, PP2

Breakthrough Genomics
Classification: Uncertain significance. Review status: criteria provided, single submitter. Criteria: ACMG Guidelines, 2015. Collection method: not provided. Allele origin: germline. Inheritance: Autosomal dominant inheritance. Affected: yes.